The following is an entry in ClinVar:

ClinVar aggregate classification (germline): Pathogenic (1 of 4 stars; one submission).

Submission:

Labcorp Genetics (formerly Invitae), Labcorp
Classification: Pathogenic. Last evaluated: 2025-08-06. Review status: criteria provided, single submitter. Criteria: Invitae Variant Classification Sherloc (09022015). Collection method: clinical testing. Allele origin: germline.
Comment: This sequence change creates a premature translational stop signal (p.Tyr204Leufs*2) in the ITGB3 gene. It is expected to result in an absent or disrupted protein product. Loss-of-function variants in ITGB3 are known to be pathogenic (PMID: 21917754). This variant is not present in population databases (gnomAD no frequency). This variant has not been reported in the literature in individuals affected with ITGB3-related conditions. For these reasons, this variant has been classified as Pathogenic.

Literature cited by the submitters: PubMed 21917754.

NM_000212.3(ITGB3):c.610dup (p.Tyr204fs)

Gene: ITGB3 (integrin subunit beta 3; plus strand). Cytogenetic location: 17q21.32.
Variant type: Duplication.
Coding change: c.610dup on transcript NM_000212.3 (MANE Select); coding-DNA position 610, one base duplicated (T; older notation c.610dupT).
Protein change: p.Tyr204fs; shifts the reading frame from tyrosine 204.
Molecular consequence: frameshift variant.
Genome position (GRCh38, 1-based): chr17:47,284,691, T duplicated. VCF-style (leftmost placement, unchanged base first): chr17-47284690-C-CT. GRCh37 (hg19) VCF-style: chr17-45362056-C-CT.
Other names: short protein forms Y204fs.
Identifiers: ClinVar variation 4755092 (VCV004755092.1).